The following is an entry in ClinVar:

NM_005076.5(CNTN2):c.958C>T (p.Arg320Cys)

Gene: CNTN2 (contactin 2; plus strand). Cytogenetic location: 1q32.1.
Variant type: single nucleotide variant.
Coding change: c.958C>T on transcript NM_005076.5 (MANE Select); coding-DNA position 958, C replaced by T.
Protein change: p.Arg320Cys; replaces arginine 320 with cysteine.
Molecular consequence: missense variant. On other transcripts: non-coding transcript variant (1).
Genome position (GRCh38, 1-based): chr1:205,061,405, C>T. VCF-style: chr1-205061405-C-T. GRCh37 (hg19) VCF-style: chr1-205030533-C-T.
Other names: c.958C>T, p.Arg320Cys (NM_001346083.2); c.958C>T (NM_005076.3); short protein forms R320C.
Identifiers: ClinVar variation 1370418 (VCV001370418.6), dbSNP rs759368493, ClinGen allele CA1351199.

ClinVar aggregate classification (germline): Uncertain significance. Review status: criteria provided, multiple submitters, no conflicts (2 of 4 stars). 2 submissions from 2 submitters: Uncertain significance (2). Last evaluated 2025-09-03.

Conditions:
Epilepsy, familial adult myoclonic, 5 (EPEO5). Also called: CORTICAL MYOCLONIC TREMOR WITH EPILEPSY, FAMILIAL, 5. Identifiers: Orphanet 86814, MedGen C3809374, MONDO:0014167, OMIM 615400.

Allele frequency attached by ClinVar (database versions not stated): TOPMed below 0.00001; ExAC 0.00002; gnomAD exomes 0.00002.
gnomAD v4.1: 10 of 1,611,480 alleles (0.00062%); highest among the groups gnomAD compares: East Asian, 0.0045%; no homozygotes.

Submissions (2):

Labcorp Genetics (formerly Invitae), Labcorp
Classification: Uncertain significance for Epilepsy, familial adult myoclonic, 5. Last evaluated: 2025-09-03. Review status: criteria provided, single submitter. Criteria: Invitae Variant Classification Sherloc (09022015). Collection method: clinical testing. Allele origin: germline.
Comment: This sequence change replaces arginine, which is basic and polar, with cysteine, which is neutral and slightly polar, at codon 320 of the CNTN2 protein (p.Arg320Cys). The frequency data for this variant in the population databases is considered unreliable, as metrics indicate poor data quality at this position in the gnomAD database. This variant has not been reported in the literature in individuals affected with CNTN2-related conditions. ClinVar contains an entry for this variant (Variation ID: 1370418). Invitae Evidence Modeling of protein sequence and biophysical properties (such as structural, functional, and spatial information, amino acid conservation, physicochemical variation, residue mobility, and thermodynamic stability) indicates that this missense variant is not expected to disrupt CNTN2 protein function with a negative predictive value of 95%. In summary, the available evidence is currently insufficient to determine the role of this variant in disease. Therefore, it has been classified as a Variant of Uncertain Significance.

Ambry Genetics
Classification: Uncertain significance. Last evaluated: 2024-05-08. Review status: criteria provided, single submitter. Criteria: Ambry Variant Classification Scheme 2023. Collection method: clinical testing. Allele origin: germline.